The following is an entry in ClinVar:

ClinVar aggregate classification (germline): Uncertain significance (1 of 4 stars; one submission).

Conditions:
Epilepsy, familial focal, with variable foci 3 (FFEVF3). Identifiers: MedGen C4310708, MONDO:0014925, OMIM 617118.

Submission:

Labcorp Genetics (formerly Invitae), Labcorp
Classification: Uncertain significance for Epilepsy, familial focal, with variable foci 3. Last evaluated: 2024-02-24. Review status: criteria provided, single submitter. Criteria: Invitae Variant Classification Sherloc (09022015). Collection method: clinical testing. Allele origin: germline.
Comment: This sequence change replaces aspartic acid, which is acidic and polar, with glutamic acid, which is acidic and polar, at codon 3 of the NPRL3 protein (p.Asp3Glu). This variant is not present in population databases (gnomAD no frequency). This variant has not been reported in the literature in individuals affected with NPRL3-related conditions. ClinVar contains an entry for this variant (Variation ID: 1720307). Experimental studies and prediction algorithms are not available or were not evaluated, and the functional significance of this variant is currently unknown. In summary, the available evidence is currently insufficient to determine the role of this variant in disease. Therefore, it has been classified as a Variant of Uncertain Significance.

NM_001077350.3(NPRL3):c.9C>A (p.Asp3Glu)

Genes: HBA-LCR (alpha-globin locus control region; plus strand), NPRL3 (NPR3 like, GATOR1 complex subunit; minus strand). Cytogenetic location: 16p13.3.
Variant type: single nucleotide variant.
Coding change: c.9C>A on transcript NM_001077350.3 (MANE Select); coding-DNA position 9, C replaced by A.
Protein change: p.Asp3Glu; replaces aspartic acid 3 with glutamic acid.
Molecular consequence: missense variant. On other transcripts: 5 prime UTR variant (2).
Genome position (GRCh38, 1-based): chr16:138,259, G>T on the plus strand (C>A on the coding strand, the complement: NPRL3 is on the minus strand). VCF-style: chr16-138259-G-T. GRCh37 (hg19) VCF-style: chr16-188258-G-T.
Other names: c.-324C>A (NM_001039476.3); c.-363C>A (NM_001243247.2); c.9C>A, p.Asp3Glu (NM_001243248.2, NM_001243249.2); short protein forms D3E.
Identifiers: ClinVar variation 1720307 (VCV001720307.5), dbSNP rs1478358968, ClinGen allele CA393999714.